The following is an entry in ClinVar:

NM_002863.5(PYGL):c.243+2T>C

Gene: PYGL (glycogen phosphorylase L; minus strand). Cytogenetic location: 14q22.1.
Variant type: single nucleotide variant.
Coding change: c.243+2T>C on transcript NM_002863.5 (MANE Select); the canonical splice donor site of the intron after coding-DNA position 243, T replaced by C.
Molecular consequence: splice donor variant.
Genome position (GRCh38, 1-based): chr14:50,944,159, A>G on the plus strand (T>C on the coding strand, the complement: PYGL is on the minus strand). VCF-style: chr14-50944159-A-G. GRCh37 (hg19) VCF-style: chr14-51410877-A-G.
Other names: c.243+2T>C (NM_001163940.2).
Identifiers: ClinVar variation 4812904 (VCV004812904.1).

ClinVar aggregate classification (germline): Pathogenic (1 of 4 stars; one submission).

Submission:

GeneDx
Classification: Pathogenic. Last evaluated: 2025-08-31. Review status: criteria provided, single submitter. Criteria: GeneDx Variant Classification Process June 2021. Collection method: clinical testing. Allele origin: germline. Affected: yes.
Comment: Canonical splice site variant predicted to result in an in-frame loss of the adjacent exon in a gene for which loss of function is a known mechanism of disease; Not observed at significant frequency in large population cohorts (gnomAD); Has not been previously published as pathogenic or benign to our knowledge